The following is an entry in ClinVar:

NM_001194998.2(CEP152):c.3433C>A (p.Pro1145Thr)

Gene: CEP152 (centrosomal protein 152; minus strand). Cytogenetic location: 15q21.1.
Variant type: single nucleotide variant.
Coding change: c.3433C>A on transcript NM_001194998.2 (MANE Select); coding-DNA position 3433, C replaced by A.
Protein change: p.Pro1145Thr; replaces proline 1145 with threonine.
Molecular consequence: missense variant.
Genome position (GRCh38, 1-based): chr15:48,752,382, G>T on the plus strand (C>A on the coding strand, the complement: CEP152 is on the minus strand). VCF-style: chr15-48752382-G-T. GRCh37 (hg19) VCF-style: chr15-49044579-G-T.
Other names: c.3433C>A, p.Pro1145Thr (NM_014985.4); c.3433C>A (NM_001194998.1); short protein forms P1145T.
Identifiers: ClinVar variation 316415 (VCV000316415.12), dbSNP rs200055660, ClinGen allele CA7548347.

ClinVar aggregate classification (germline): Conflicting classifications of pathogenicity. Review status: criteria provided, conflicting classifications (1 of 4 stars). 5 submissions from 4 submitters: Uncertain significance (3); Likely benign (1). 1 of the submissions does not count toward it. Last evaluated 2026-01-28.

Conditions:
Seckel syndrome 5 (SCKL5). Identifiers: Orphanet 808, MedGen C3151187, MONDO:0013443, OMIM 613823.
Microcephaly 9, primary, autosomal recessive. Identifiers: Orphanet 2512, MedGen C3553886, MONDO:0013923, OMIM 614852.
CEP152-related disorder. Also called: CEP152-related condition; CEP152-related disorders. Identifiers: MedGen CN239248.

Allele frequency attached by ClinVar (database versions not stated): gnomAD 0.00006 and 0.00011; TOPMed 0.00006; gnomAD exomes 0.00011 and 0.00018; 1000 Genomes Project 30x 0.00016; ExAC 0.00017; 1000 Genomes Project 0.00020.
gnomAD v4.1: 180 of 1,614,026 alleles (0.011%); highest among the groups gnomAD compares: East Asian, 0.35%; 2 homozygotes.

Submissions (5):

Labcorp Genetics (formerly Invitae), Labcorp
Classification: Likely benign. Last evaluated: 2026-01-28. Review status: criteria provided, single submitter. Criteria: Invitae Variant Classification Sherloc (09022015). Collection method: clinical testing. Allele origin: germline.

Fulgent Genetics
Classification: Uncertain significance for Seckel syndrome 5; Microcephaly 9, primary, autosomal recessive. Last evaluated: 2022-03-11. Review status: criteria provided, single submitter. Criteria: ACMG Guidelines, 2015. Collection method: clinical testing. Allele origin: unknown.

Illumina Laboratory Services, Illumina
Classification: Uncertain significance for Seckel syndrome 5. Last evaluated: 2018-01-12. Review status: criteria provided, single submitter. Criteria: ICSL Variant Classification Criteria 13 December 2019. Collection method: clinical testing. Allele origin: germline.

Illumina Laboratory Services, Illumina
Classification: Uncertain significance for Microcephaly 9, primary, autosomal recessive. Last evaluated: 2018-01-12. Review status: criteria provided, single submitter. Criteria: ICSL Variant Classification Criteria 13 December 2019. Collection method: clinical testing. Allele origin: germline.

PreventionGenetics, part of Exact Sciences
Classification: Likely benign for CEP152-related condition. Last evaluated: 2023-11-11. Review status: no assertion criteria provided. Collection method: clinical testing. Allele origin: germline. Not counted in ClinVar's aggregate classification.
Comment: This variant is classified as likely benign based on ACMG/AMP sequence variant interpretation guidelines (Richards et al. 2015 PMID: 25741868, with internal and published modifications).